The following is an entry in ClinVar:

NM_004100.5(EYA4):c.970+19G>A

Gene: EYA4 (EYA transcriptional coactivator and phosphatase 4; plus strand). Cytogenetic location: 6q23.2.
Variant type: single nucleotide variant.
Coding change: c.970+19G>A on transcript NM_004100.5 (MANE Select); 19 bases into the intron after coding-DNA position 970, G replaced by A.
Molecular consequence: intron variant. On other transcripts: splice donor variant (2).
Genome position (GRCh38, 1-based): chr6:133,468,750, G>A. VCF-style: chr6-133468750-G-A. GRCh37 (hg19) VCF-style: chr6-133789888-G-A.
Other names: c.988+1G>A (NM_001301013.1, NM_001301013.2); c.970+19G>A (NM_172105.4); c.901+19G>A (NM_001370458.1, NM_172103.4); c.826+1G>A (NM_001370459.1); c.808+19G>A (NM_001301012.2).
Identifiers: ClinVar variation 3657826 (VCV003657826.3).

ClinVar aggregate classification (germline): Conflicting classifications of pathogenicity. Review status: criteria provided, conflicting classifications (1 of 4 stars). 2 submissions from 2 submitters: Uncertain significance (1); Likely benign (1). Last evaluated 2026-02-19.

Conditions:
Dilated cardiomyopathy 1J (CMD1J). Also called: CARDIOMYOPATHY, DILATED, WITH SENSORINEURAL HEARING LOSS, AUTOSOMAL DOMINANT. Identifiers: Orphanet 217622, MedGen C1854368, MONDO:0011541, OMIM 605362.
EYA4-related disorder. Also called: EYA4-related disorders; EYA4-related condition. Identifiers: MedGen CN239388.

gnomAD v4.1: 5 of 1,611,876 alleles (0.00031%); highest among the groups gnomAD compares: East Asian, 0.011%; no homozygotes.

Submissions (2):

PreventionGenetics, part of Exact Sciences
Classification: Uncertain significance for EYA4-related condition. Last evaluated: 2026-02-19. Review status: criteria provided, single submitter. Criteria: ACMG Guidelines, 2015. Collection method: clinical testing. Allele origin: germline.
Comment: The EYA4 c.988+1G>A variant is predicted to disrupt the GT donor site and interfere with normal splicing. This variant is intronic in an alternative transcript NM_004100:c.970+19G>A (Intronic)> To our knowledge, this variant has not been reported in the literature. This variant is reported in 0.025% of alleles in individuals of East Asian descent in gnomAD. At this time, the clinical significance of this variant is uncertain due to the absence of conclusive functional and genetic evidence.

Labcorp Genetics (formerly Invitae), Labcorp
Classification: Likely benign for Dilated cardiomyopathy 1J. Last evaluated: 2025-09-05. Review status: criteria provided, single submitter. Criteria: Invitae Variant Classification Sherloc (09022015). Collection method: clinical testing. Allele origin: germline.